The following is an entry in ClinVar:

ClinVar aggregate classification (germline): Uncertain significance. Review status: criteria provided, multiple submitters, no conflicts (2 of 4 stars). 2 submissions from 2 submitters: Uncertain significance (2). Last evaluated 2025-11-03.

Conditions:
Osteogenesis imperfecta type 7 (OI7). Also called: OSTEOGENESIS IMPERFECTA, TYPE IIB; Osteogenesis imperfecta type 2B; OI type 2B; Osteogenesis imperfecta, perinatal lethal autosomal recessive; OI type IIB; OI type 7. Identifiers: MedGen C1853162, MONDO:0012536, OMIM 610682.

Allele frequency attached by ClinVar (database versions not stated): gnomAD exomes 0.00001; TOPMed 0.00001; ExAC 0.00002.

Submissions (2):

Labcorp Genetics (formerly Invitae), Labcorp
Classification: Uncertain significance for Osteogenesis imperfecta type 7. Last evaluated: 2025-11-03. Review status: criteria provided, single submitter. Criteria: Invitae Variant Classification Sherloc (09022015). Collection method: clinical testing. Allele origin: germline.
Comment: This sequence change replaces glycine, which is neutral and non-polar, with arginine, which is basic and polar, at codon 24 of the CRTAP protein (p.Gly24Arg). The frequency data for this variant in the population databases is considered unreliable, as metrics indicate poor data quality at this position in the gnomAD database. This variant has not been reported in the literature in individuals affected with CRTAP-related conditions. ClinVar contains an entry for this variant (Variation ID: 639694). An algorithm developed to predict the effect of missense changes on protein structure and function (PolyPhen-2) suggests that this variant is likely to be tolerated. In summary, the available evidence is currently insufficient to determine the role of this variant in disease. Therefore, it has been classified as a Variant of Uncertain Significance.

Illumina Laboratory Services, Illumina
Classification: Uncertain significance for Osteogenesis imperfecta type 7. Last evaluated: 2018-01-12. Review status: criteria provided, single submitter. Criteria: ICSL Variant Classification Criteria 13 December 2019. Collection method: clinical testing. Allele origin: germline.

NM_006371.5(CRTAP):c.70G>A (p.Gly24Arg)

Gene: CRTAP (cartilage associated protein; plus strand). Cytogenetic location: 3p22.3.
Variant type: single nucleotide variant.
Coding change: c.70G>A on transcript NM_006371.5 (MANE Select); coding-DNA position 70, G replaced by A.
Protein change: p.Gly24Arg; replaces glycine 24 with arginine.
Molecular consequence: missense variant.
Genome position (GRCh38, 1-based): chr3:33,114,147, G>A. VCF-style: chr3-33114147-G-A. GRCh37 (hg19) VCF-style: chr3-33155639-G-A.
Other names: c.70G>A, p.Gly24Arg (NM_001393363.1, NM_001393364.1, NM_001393365.1); short protein forms G24R.
Identifiers: ClinVar variation 639694 (VCV000639694.7), dbSNP rs763727738, ClinGen allele CA2300181.
Genomic context (GRCh38, chr3:33,114,147, plus strand): 5'-GGGCGCCGGGGGGCCGCGGCGCTGCTAGCGCTGCTGTGCGTGGCCTGCGCGCTGCGCGCC[G>A]GGCGCGCCCAATACGAACGCTACAGCTTCCGCAGCTTCCCACGGGACGAGCTGATGCCGC-3'
Protein context (NP_006362.1, residues 14-34): LLCVACALRA[Gly24Arg]RAQYERYSFR